The following is an entry in ClinVar:

ClinVar aggregate classification (germline): Likely benign (1 of 4 stars; one submission).

Allele frequency attached by ClinVar (database versions not stated): 1000 Genomes Project 0.00899; 1000 Genomes Project 30x 0.00968; TOPMed 0.01986; gnomAD 0.02313 and 0.02367; gnomAD exomes 0.03326.

Submission:

GeneDx
Classification: Likely benign. Last evaluated: 2018-06-14. Review status: criteria provided, single submitter. Criteria: GeneDx Variant Classification (06012015). Collection method: clinical testing. Allele origin: germline. Affected: yes.
Comment: This variant is considered likely benign or benign based on one or more of the following criteria: it is a conservative change, it occurs at a poorly conserved position in the protein, it is predicted to be benign by multiple in silico algorithms, and/or has population frequency not consistent with disease.

NM_001037.5(SCN1B):c.208-136del

Gene: SCN1B (sodium voltage-gated channel beta subunit 1; plus strand). Cytogenetic location: 19q13.11.
Variant type: Deletion.
Coding change: c.208-136del on transcript NM_001037.5 (MANE Select); 136 bases into the intron before coding-DNA position 208, one base deleted (T; older notation c.208-136delT).
Molecular consequence: intron variant.
Genome position (GRCh38, 1-based): chr19:35,033,363, T deleted. VCF-style (leftmost placement, unchanged base first): chr19-35033362-CT-C. GRCh37 (hg19) VCF-style: chr19-35524266-CT-C.
Other names: c.208-136del (NM_199037.5); c.109-136del (NM_001321605.2).
Identifiers: ClinVar variation 673876 (VCV000673876.1), dbSNP rs72550271, ClinGen allele CA307703569.